The following is an entry in ClinVar:

ClinVar aggregate classification (germline): Pathogenic (1 of 4 stars; one submission).

Submission:

Labcorp Genetics (formerly Invitae), Labcorp
Classification: Pathogenic. Last evaluated: 2024-08-31. Review status: criteria provided, single submitter. Criteria: Invitae Variant Classification Sherloc (09022015). Collection method: clinical testing. Allele origin: germline.
Comment: This sequence change affects an acceptor splice site in intron 3 of the TCIRG1 gene. It is expected to disrupt RNA splicing. Variants that disrupt the donor or acceptor splice site typically lead to a loss of protein function (PMID: 16199547), and loss-of-function variants in TCIRG1 are known to be pathogenic (PMID: 10888887, 10942435, 11532986, 19448635). This variant is not present in population databases (gnomAD no frequency). Disruption of this splice site has been observed in individual(s) with clinical features of autosomal recessive osteopetrosis (internal data). In at least one individual the data is consistent with being in trans (on the opposite chromosome) from a pathogenic variant. Algorithms developed to predict the effect of sequence changes on RNA splicing suggest that this variant may disrupt the consensus splice site. For these reasons, this variant has been classified as Pathogenic.

Literature cited by the submitters: PubMed 16199547; PubMed 10888887; PubMed 10942435; PubMed 11532986; PubMed 19448635.

NM_006019.4(TCIRG1):c.197-2A>T

Gene: TCIRG1 (T cell immune regulator 1, ATPase H+ transporting V0 subunit a3; plus strand). Cytogenetic location: 11q13.2.
Variant type: single nucleotide variant.
Coding change: c.197-2A>T on transcript NM_006019.4 (MANE Select); the canonical splice acceptor site of the intron before coding-DNA position 197, A replaced by T.
Molecular consequence: splice acceptor variant.
Genome position (GRCh38, 1-based): chr11:68,042,641, A>T. VCF-style: chr11-68042641-A-T. GRCh37 (hg19) VCF-style: chr11-67810108-A-T.
Other names: c.-1053-2A>T (NM_001351059.2).
Identifiers: ClinVar variation 3661582 (VCV003661582.2).